The following is an entry in ClinVar:

NM_198525.3(KIF7):c.157C>G (p.Arg53Gly)

Gene: KIF7 (kinesin family member 7; minus strand). Cytogenetic location: 15q26.1.
Variant type: single nucleotide variant.
Coding change: c.157C>G on transcript NM_198525.3 (MANE Select); coding-DNA position 157, C replaced by G.
Protein change: p.Arg53Gly; replaces arginine 53 with glycine.
Molecular consequence: missense variant.
Genome position (GRCh38, 1-based): chr15:89,652,774, G>C on the plus strand (C>G on the coding strand, the complement: KIF7 is on the minus strand). VCF-style: chr15-89652774-G-C. GRCh37 (hg19) VCF-style: chr15-90196005-G-C.
Other names: short protein forms R53G.
Identifiers: ClinVar variation 1305318 (VCV001305318.3), dbSNP rs569323391, ClinGen allele CA274584469.

ClinVar aggregate classification (germline): Uncertain significance (1 of 4 stars; one submission).

Submission:

GeneDx
Classification: Uncertain significance. Last evaluated: 2022-02-14. Review status: criteria provided, single submitter. Criteria: GeneDx Variant Classification Process June 2021. Collection method: clinical testing. Allele origin: germline. Affected: yes.
Comment: Has not been previously published as pathogenic or benign to our knowledge; Not observed at significant frequency in large population cohorts (gnomAD); In silico analysis supports that this missense variant has a deleterious effect on protein structure/function